The following is an entry in ClinVar:

NM_139281.3(WDR36):c.244T>A (p.Phe82Ile)

Gene: WDR36 (WD repeat domain 36; plus strand). Cytogenetic location: 5q22.1.
Variant type: single nucleotide variant.
Coding change: c.244T>A on transcript NM_139281.3 (MANE Select); coding-DNA position 244, T replaced by A.
Protein change: p.Phe82Ile; replaces phenylalanine 82 with isoleucine.
Molecular consequence: missense variant.
Genome position (GRCh38, 1-based): chr5:111,097,132, T>A. VCF-style: chr5-111097132-T-A. GRCh37 (hg19) VCF-style: chr5-110432830-T-A.
Other names: short protein forms F82I.
Identifiers: ClinVar variation 3365418 (VCV003365418.1).

ClinVar aggregate classification (germline): Uncertain significance (1 of 4 stars; one submission).

gnomAD v4.1: 2 of 1,613,860 alleles (0.00012%); highest among the groups gnomAD compares: South Asian, 0.0022%; no homozygotes.

Submission:

GeneDx
Classification: Uncertain significance. Last evaluated: 2023-12-29. Review status: criteria provided, single submitter. Criteria: GeneDx Variant Classification Process June 2021. Collection method: clinical testing. Allele origin: germline. Affected: yes.
Comment: Not observed at significant frequency in large population cohorts (gnomAD); In silico analysis supports that this missense variant has a deleterious effect on protein structure/function; Has not been previously published as pathogenic or benign to our knowledge